The following is an entry in ClinVar:

NM_000083.3(CLCN1):c.1598C>G (p.Thr533Ser)

Gene: CLCN1 (chloride voltage-gated channel 1; plus strand). Cytogenetic location: 7q34.
Variant type: single nucleotide variant.
Coding change: c.1598C>G on transcript NM_000083.3 (MANE Select); coding-DNA position 1598, C replaced by G.
Protein change: p.Thr533Ser; replaces threonine 533 with serine.
Molecular consequence: missense variant. On other transcripts: non-coding transcript variant (1).
Genome position (GRCh38, 1-based): chr7:143,341,944, C>G. VCF-style: chr7-143341944-C-G. GRCh37 (hg19) VCF-style: chr7-143039037-C-G.
Other names: short protein forms T533S.
Identifiers: ClinVar variation 910076 (VCV000910076.4), dbSNP rs1316380335, ClinGen allele CA369646371.

ClinVar aggregate classification (germline): Uncertain significance (1 of 4 stars; one submission).

Conditions:
Batten-Turner congenital myopathy. Also called: Congenital myotonia. Identifiers: Orphanet 206973, MedGen C0027127, MONDO:0100468, OMIM 255300.

Allele frequency attached by ClinVar (database versions not stated): gnomAD 0.00001; gnomAD exomes 0.00001.
gnomAD v4.1: 19 of 1,613,526 alleles (0.0012%); highest among the groups gnomAD compares: Admixed American, 0.0017%; no homozygotes.

Submission:

Illumina Laboratory Services, Illumina
Classification: Uncertain significance for Myotonia congenita. Last evaluated: 2017-04-27. Review status: criteria provided, single submitter. Criteria: ICSL Variant Classification Criteria 13 December 2019. Collection method: clinical testing. Allele origin: germline.
Comment: This variant was observed as part of a predisposition screen in an ostensibly healthy population. A literature search was performed for the gene, cDNA change, and amino acid change (where applicable). Publications were found based on this search. However, the evidence from the literature, in combination with allele frequency data from public databases where available, was not sufficient to rule this variant in or out of causing disease. Therefore, this variant is classified as a variant of unknown significance.

Literature cited by the submitters: PubMed 22521272; PubMed 21221019.